The following is an entry in ClinVar:

NC_012920.1(MT-ATP6):m.8923A>G

Gene: MT-ATP6 (mitochondrially encoded ATP synthase 6; plus strand).
Variant type: single nucleotide variant.
Genome position: chrM-8923-A-G.
Identifiers: ClinVar variation 693024 (VCV000693024.2), dbSNP rs200329150, ClinGen allele CA337098111.
Genomic context (GRCh38, chrMT:8,923, plus strand): 5'-GTGATTATAGGCTTTCGCTCTAAGATTAAAAATGCCCTAGCCCACTTCTTACCACAAGGC[A>G]CACCTACACCCCTTATCCCCATACTAGTTATTATCGAAACCATCAGCCTACTCATTCAAC-3'

ClinVar aggregate classification (germline): Likely benign. Review status: criteria provided, multiple submitters, no conflicts (2 of 4 stars). 2 submissions from 2 submitters: Likely benign (2). Last evaluated 2025-02-16.

Conditions:
Leigh syndrome (NULS). Also called: Leigh's necrotizing encephalopathy; Leigh's disease; Leigh Syndrome (mtDNA deletion); Leigh Disease; Subacute necrotizing encephalopathy; Necrotizing encephalopathy infantile subacute of Leigh. Identifiers: Orphanet 506, MedGen C2931891, MONDO:0009723, OMIM 256000.

Submissions (2):

Laboratory of Genetics, Children's Clinical University Hospital Latvia
Classification: Likely benign. Last evaluated: 2025-02-16. Review status: criteria provided, single submitter. Criteria: ACMG Guidelines, 2015. Collection method: clinical testing. Allele origin: germline. Affected: yes.

Wong Mito Lab, Molecular and Human Genetics, Baylor College of Medicine
Classification: Likely benign for Leigh syndrome. Last evaluated: 2019-10-17. Review status: criteria provided, single submitter. Criteria: Modified ACMG Guidelines (Unpublished). Collection method: clinical testing. Allele origin: germline.
Comment: The NC_012920.1:m.8923A>G (YP_003024031.1:p.Thr133Ala) variant in MTATP6 gene is interpretated to be a Likely Benign variant based on the modified ACMG guidelines (unpublished). This variant meets the following evidence codes: BS1, BP5